The following is an entry in ClinVar:

ClinVar aggregate classification (germline): Likely benign. Review status: criteria provided, multiple submitters, no conflicts (2 of 4 stars). 6 submissions from 6 submitters: Likely benign (3). 3 of the submissions do not count toward it. Last evaluated 2026-06-01.

Conditions:
Intellectual disability. Also called: Intellectual developmental disorder; Intellectual functioning disability; intellectual disabilities. Identifiers: MedGen C3714756, MeSH D008607, MONDO:0001071, HP:0001249.

Allele frequency attached by ClinVar (database versions not stated): 1000 Genomes Project 30x 0.00016; 1000 Genomes Project 0.00020; gnomAD 0.00092 and 0.00093; TOPMed 0.00097; ESP Exome Variant Server 0.00143.
gnomAD v4.1: 2,157 of 1,607,308 alleles (0.13%); highest among the groups gnomAD compares: Middle Eastern, 0.18%; 2 homozygotes.

Submissions (6):

CeGaT Center for Human Genetics Tuebingen
Classification: Likely benign. Last evaluated: 2026-06-01. Review status: criteria provided, single submitter. Criteria: CeGaT Center For Human Genetics Tuebingen Variant Classification Criteria Version 2. Collection method: clinical testing. Allele origin: germline. Affected: yes. Observed: 2 variant alleles.
Comment: MYO5A: BP4

Labcorp Genetics (formerly Invitae), Labcorp
Classification: Likely benign. Last evaluated: 2025-10-21. Review status: criteria provided, single submitter. Criteria: Invitae Variant Classification Sherloc (09022015). Collection method: clinical testing. Allele origin: germline.

Blueprint Genetics
Classification: Likely benign. Last evaluated: 2024-10-29. Review status: criteria provided, single submitter. Criteria: ACMG Guidelines, 2015. Collection method: clinical testing. Allele origin: germline.

Centre de Biologie Pathologie Génétique, Centre Hospitalier Universitaire de Lille
Classification: Likely benign for Intellectual disability. Last evaluated: 2019-01-01. Review status: no assertion criteria provided. Collection method: clinical testing. Allele origin: inherited. Affected: yes. Not counted in ClinVar's aggregate classification.

Clinical Genetics DNA and cytogenetics Diagnostics Lab, Erasmus MC, Erasmus Medical Center
Classification: Likely benign. Review status: no assertion criteria provided. Collection method: clinical testing. Allele origin: germline. Affected: yes. Study: VKGL Data-share Consensus. Not counted in ClinVar's aggregate classification.

Clinical Genetics, Academic Medical Center
Classification: Benign. Review status: no assertion criteria provided. Collection method: clinical testing. Allele origin: germline. Affected: yes. Study: VKGL Data-share Consensus. Not counted in ClinVar's aggregate classification.

NM_001382347.1(MYO5A):c.839-7A>G

Gene: MYO5A (myosin VA; minus strand). Cytogenetic location: 15q21.2.
Variant type: single nucleotide variant.
Coding change: c.839-7A>G on transcript NM_001382347.1 (MANE Select); 7 bases into the intron before coding-DNA position 839, A replaced by G.
Molecular consequence: intron variant.
Genome position (GRCh38, 1-based): chr15:52,407,406, T>C on the plus strand (A>G on the coding strand, the complement: MYO5A is on the minus strand). VCF-style: chr15-52407406-T-C. GRCh37 (hg19) VCF-style: chr15-52699603-T-C.
Other names: c.839-7A>G (NM_000259.3, NM_001142495.2); c.911-7A>G (NM_001382349.1, NM_001382348.1).
Identifiers: ClinVar variation 791058 (VCV000791058.19), dbSNP rs199749277, ClinGen allele CA7569119.